The following is an entry in ClinVar:

NM_015559.3(SETBP1):c.3239G>A (p.Gly1080Glu)

Gene: SETBP1 (SET binding protein 1; plus strand). Cytogenetic location: 18q12.3.
Variant type: single nucleotide variant.
Coding change: c.3239G>A on transcript NM_015559.3 (MANE Select); coding-DNA position 3239, G replaced by A.
Protein change: p.Gly1080Glu; replaces glycine 1080 with glutamic acid.
Molecular consequence: missense variant.
Genome position (GRCh38, 1-based): chr18:44,952,579, G>A. VCF-style: chr18-44952579-G-A. GRCh37 (hg19) VCF-style: chr18-42532544-G-A.
Other names: c.3239G>A, p.Gly1080Glu (NM_001379141.1, NM_001379142.1); short protein forms G1080E.
Identifiers: ClinVar variation 1406655 (VCV001406655.8), dbSNP rs2071385311, ClinGen allele CA402323965.

ClinVar aggregate classification (germline): Uncertain significance (1 of 4 stars; one submission).

Allele frequency attached by ClinVar (database versions not stated): TOPMed below 0.00001.

Submission:

Labcorp Genetics (formerly Invitae), Labcorp
Classification: Uncertain significance. Last evaluated: 2024-01-12. Review status: criteria provided, single submitter. Criteria: Invitae Variant Classification Sherloc (09022015). Collection method: clinical testing. Allele origin: germline.
Comment: This sequence change replaces glycine, which is neutral and non-polar, with glutamic acid, which is acidic and polar, at codon 1080 of the SETBP1 protein (p.Gly1080Glu). This variant is not present in population databases (gnomAD no frequency). This variant has not been reported in the literature in individuals affected with SETBP1-related conditions. ClinVar contains an entry for this variant (Variation ID: 1406655). An algorithm developed to predict the effect of missense changes on protein structure and function (PolyPhen-2) suggests that this variant is likely to be disruptive. In summary, the available evidence is currently insufficient to determine the role of this variant in disease. Therefore, it has been classified as a Variant of Uncertain Significance.